The following is an entry in ClinVar:

ClinVar aggregate classification (germline): Uncertain significance. Review status: criteria provided, multiple submitters, no conflicts (2 of 4 stars). 2 submissions from 2 submitters: Uncertain significance (2). Last evaluated 2025-05-20.

Conditions:
Inborn genetic diseases. Identifiers: MedGen C0950123, MeSH D030342.
Fanconi anemia (FA). Also called: Fanconi's anemia. Identifiers: Orphanet 84, MedGen C0015625, MeSH D005199, MONDO:0019391.

Submissions (2):

Ambry Genetics
Classification: Uncertain significance for Inborn genetic diseases. Last evaluated: 2025-05-20. Review status: criteria provided, single submitter. Criteria: Ambry Variant Classification Scheme 2023. Collection method: clinical testing. Allele origin: germline.
Comment: The p.I267V variant (also known as c.799A>G), located in coding exon 4 of the FANCM gene, results from an A to G substitution at nucleotide position 799. The isoleucine at codon 267 is replaced by valine, an amino acid with highly similar properties. This amino acid position is conserved. In addition, this alteration is predicted to be tolerated by in silico analysis. Based on the available evidence, the clinical significance of this variant remains unclear.

Labcorp Genetics (formerly Invitae), Labcorp
Classification: Uncertain significance for Fanconi anemia. Last evaluated: 2024-04-08. Review status: criteria provided, single submitter. Criteria: Invitae Variant Classification Sherloc (09022015). Collection method: clinical testing. Allele origin: germline.
Comment: This sequence change replaces isoleucine, which is neutral and non-polar, with valine, which is neutral and non-polar, at codon 267 of the FANCM protein (p.Ile267Val). This variant is not present in population databases (gnomAD no frequency). This variant has not been reported in the literature in individuals affected with FANCM-related conditions. An algorithm developed to predict the effect of missense changes on protein structure and function (PolyPhen-2) suggests that this variant is likely to be tolerated. In summary, the available evidence is currently insufficient to determine the role of this variant in disease. Therefore, it has been classified as a Variant of Uncertain Significance.

NM_020937.4(FANCM):c.799A>G (p.Ile267Val)

Gene: FANCM (FA complementation group M; plus strand). Cytogenetic location: 14q21.2.
Variant type: single nucleotide variant.
Coding change: c.799A>G on transcript NM_020937.4 (MANE Select); coding-DNA position 799, A replaced by G.
Protein change: p.Ile267Val; replaces isoleucine 267 with valine.
Molecular consequence: missense variant.
Genome position (GRCh38, 1-based): chr14:45,148,876, A>G. VCF-style: chr14-45148876-A-G. GRCh37 (hg19) VCF-style: chr14-45618079-A-G.
Other names: c.721A>G, p.Ile241Val (NM_001308133.2); c.799A>G, p.Ile267Val (NM_001308134.2); short protein forms I241V, I267V.
Identifiers: ClinVar variation 2763673 (VCV002763673.4), dbSNP rs2503084196, ClinGen allele CA389589849.
Genomic context (GRCh38, chr14:45,148,876, plus strand): 5'-TACTTAATTGATTTCATATAGGCTGTGCAACAAGTTATTACTAACCTGCTAATTGGGCAG[A>G]TAGAGCTTCGTTCTGAAGATTCTCCAGATATTTTGACATATTCTCATGAAAGAAAAGTTG-3'
Protein context (NP_065988.1, residues 257-277): QVITNLLIGQ[Ile267Val]ELRSEDSPDI